The following is an entry in ClinVar:

NM_000051.4(ATM):c.8056T>C (p.Phe2686Leu)

Genes: ATM (ATM serine/threonine kinase; plus strand), C11orf65 (chromosome 11 open reading frame 65; minus strand). Cytogenetic location: 11q22.3.
Variant type: single nucleotide variant.
Coding change: c.8056T>C on transcript NM_000051.4 (MANE Select); coding-DNA position 8056, T replaced by C.
Protein change: p.Phe2686Leu; replaces phenylalanine 2686 with leucine.
Molecular consequence: missense variant. On other transcripts: intron variant (2).
Genome position (GRCh38, 1-based): chr11:108,335,014, T>C. VCF-style: chr11-108335014-T-C. GRCh37 (hg19) VCF-style: chr11-108205741-T-C.
Other names: NM_000051.4(ATM):c.8056T>C; p.Phe2686Leu; c.8056T>C, p.Phe2686Leu (NM_001351834.2); c.641-25943A>G (NM_001330368.2); c.*38+206A>G (NM_001351110.2); short protein forms F2686L.
Identifiers: ClinVar variation 490724 (VCV000490724.18), dbSNP rs1555127125, ClinGen allele CA382561941.

ClinVar aggregate classification (germline): Uncertain significance. Review status: reviewed by expert panel (3 of 4 stars). 4 submissions from 4 submitters: Uncertain significance (1). 3 of the submissions do not count toward it. Last evaluated 2025-11-11.

Conditions:
Hereditary cancer-predisposing syndrome. Also called: Hereditary Cancer Syndrome; Neoplastic Syndromes, Hereditary; Tumor predisposition; Hereditary neoplastic syndrome. Identifiers: Orphanet 140162, MedGen C0027672, MeSH D009386, MONDO:0015356.
ATM-related cancer predisposition. Also called: ATM-related cancer susceptibility. Identifiers: MedGen CN377759, MONDO:0700270.
Ataxia-telangiectasia syndrome (AT). Also called: Cerebello-oculocutaneous telangiectasia; Immunodeficiency with ataxia telangiectasia; Ataxia-telangiectasia, complementation group E; Ataxia-telangiectasia, complementation group D; AT, COMPLEMENTATION GROUP C; ATAXIA-TELANGIECTASIA, COMPLEMENTATION GROUP A. Identifiers: Orphanet 100, MedGen C0004135, MONDO:0008840, OMIM 208900.

Allele frequency attached by ClinVar (database versions not stated): gnomAD exomes below 0.00001.
gnomAD v4.1: 1 of 1,613,950 alleles (0.000062%); highest among the groups gnomAD compares: Non-Finnish European, 0.000085%; no homozygotes.

Submissions (4):

ClinGen Hereditary Breast, Ovarian and Pancreatic Cancer Variant Curation Expert Panel, ClinGen
Classification: Uncertain significance for ATM-related cancer predisposition. Last evaluated: 2025-11-11. Review status: reviewed by expert panel. Criteria: ClinGen HBOP ACMG Specifications ATM V1.4.0. Collection method: curation. Allele origin: germline. Inheritance: Autosomal dominant inheritance.
Comment: The c.8056T>C variant in ATM is a missense variant predicted to cause substitution of phenylalanine by leucine at amino acid 2686 (p.Phe2686Leu). This variant has been detected in at least one individual with Ataxia-Telangiectasia (PMID: 31429931). The highest population minor allele frequency in gnomAD v4.1.0 is 0.0000008476 in European (non-Finnish) population, which is lower than the HBOP VCEP threshold (≤0.00001) for PM2_Supporting, meeting this criterion. The computational predictor REVEL gives a score of 0.91, which is above the threshold of 0.7333, evidence that correlates with impact to ATM function. In summary, this variant meets the criteria to be classified as a variant of uncertain significance for autosomal dominant ATM-related cancer predisposition and autosomal recessive Ataxia-Telangiectasia based on the ACMG/AMP criteria applied as specified by the HBOP VCEP. (PM3_Supporting, PM2_Supporting, PP3)

Labcorp Genetics (formerly Invitae), Labcorp
Classification: Likely pathogenic for Ataxia-telangiectasia syndrome. Last evaluated: 2025-08-11. Review status: criteria provided, single submitter. Criteria: Invitae Variant Classification Sherloc (09022015). Collection method: clinical testing. Allele origin: germline. Not counted in ClinVar's aggregate classification.
Comment: This sequence change replaces phenylalanine, which is neutral and non-polar, with leucine, which is neutral and non-polar, at codon 2686 of the ATM protein (p.Phe2686Leu). This variant is not present in population databases (gnomAD no frequency). This missense change has been observed in individual(s) with ataxia telangiectasia (PMID: 31429931). In at least one individual the data is consistent with being in trans (on the opposite chromosome) from a pathogenic variant. ClinVar contains an entry for this variant (Variation ID: 490724). Invitae Evidence Modeling of protein sequence and biophysical properties (such as structural, functional, and spatial information, amino acid conservation, physicochemical variation, residue mobility, and thermodynamic stability) has been performed for this missense variant. However, the output from this modeling did not meet the statistical confidence thresholds required to predict the impact of this variant on ATM protein function. In summary, the currently available evidence indicates that the variant is pathogenic, but additional data are needed to prove that conclusively. Therefore, this variant has been classified as Likely Pathogenic.

Ambry Genetics
Classification: Uncertain significance for Hereditary cancer-predisposing syndrome. Last evaluated: 2022-08-09. Review status: criteria provided, single submitter. Criteria: Ambry Variant Classification Scheme 2023. Collection method: clinical testing. Allele origin: germline. Not counted in ClinVar's aggregate classification.
Comment: The p.F2686L variant (also known as c.8056T>C), located in coding exon 54 of the ATM gene, results from a T to C substitution at nucleotide position 8056. The phenylalanine at codon 2686 is replaced by leucine, an amino acid with highly similar properties. This alteration was identified in an individual with early onset cerebellar ataxia. This individual also carried ATM c.8151+1G>A however phase was not described (Shakya S et al. Clin Genet, 2019 12;96:566-574). This amino acid position is highly conserved in available vertebrate species. In addition, this alteration is predicted to be deleterious by in silico analysis. Since supporting evidence is limited at this time, the clinical significance of this alteration remains unclear.

Color Diagnostics, LLC DBA Color Health
Classification: Uncertain significance for Hereditary cancer-predisposing syndrome. Last evaluated: 2022-06-13. Review status: criteria provided, single submitter. Criteria: ACMG Guidelines, 2015. Collection method: clinical testing. Allele origin: germline. Not counted in ClinVar's aggregate classification.
Comment: This missense variant replaces phenylalanine with leucine at codon 2686 of the ATM protein. Computational prediction suggests that this variant may have deleterious impact on protein structure and function (internally defined REVEL score threshold >= 0.7, PMID: 27666373). To our knowledge, functional studies have not been reported for this variant.This variant has been reported in an individual affected with chronic lymphocytic leukemia (PMID: 17968022). This variant has not been identified in the general population by the Genome Aggregation Database (gnomAD). The available evidence is insufficient to determine the role of this variant in disease conclusively. Therefore, this variant is classified as a Variant of Uncertain Significance.

Literature cited by the submitters: PubMed 31429931 (cited by Labcorp Genetics (formerly Invitae), Labcorp and Ambry Genetics); PubMed 17968022 (cited by Color Diagnostics, LLC DBA Color Health).